The following is an entry in ClinVar:

ClinVar aggregate classification (germline): Uncertain significance (1 of 4 stars; one submission).

Conditions:
Polycystic kidney disease, adult type (PKD1). Also called: Polycystic Kidney, Autosomal Dominant; POLYCYSTIC KIDNEY DISEASE, ADULT, TYPE I; Polycystic Kidney Disease 1, Autosomal Dominant; Polycystic kidney disease 1; Polycystic kidney disease 1, severe; POLYCYSTIC KIDNEY DISEASE 1 WITH OR WITHOUT POLYCYSTIC LIVER DISEASE. Identifiers: MedGen C3149841, MONDO:0008263, OMIM 173900.

Submission:

Victorian Clinical Genetics Services, Murdoch Childrens Research Institute
Classification: Uncertain significance for Polycystic kidney disease, adult type. Last evaluated: 2024-11-14. Review status: criteria provided, single submitter. Criteria: ACMG Guidelines, 2015. Collection method: clinical testing. Allele origin: germline. Affected: yes.
Comment: This variant is classified as VUS-3A. Evidence in support of pathogenic classification: Variant is absent from gnomAD (v2, v3 and v4); Missense variant consistently predicted to be damaging by in silico tool or highly conserved with a major amino acid change. Additional information: Variant is predicted to result in a missense amino acid change from leucine to proline; This variant is heterozygous; This gene is associated with autosomal dominant disease. Polycystic kidney disease 1 (MIM#173900) is predominantly caused by monoallelic variants, with rare reports of biallelic variants causing disease (OMIM); This variant has no previous evidence of pathogenicity; No published segregation evidence has been identified for this variant; No published functional evidence has been identified for this variant; No comparable missense variants have previous evidence for pathogenicity; Variant is located in the annotated polycystin domain (DECIPHER); Loss of function is a known mechanism of disease in this gene and is associated with polycystic kidney disease 1 (MIM#173900); Inheritance information for this variant is not currently available in this individual.

NM_001009944.3(PKD1):c.11612T>C (p.Leu3871Pro)

Genes: PKD1 (polycystin 1, transient receptor potential channel interacting; minus strand), PKD1-AS1 (PKD1 antisense RNA 1; plus strand). Cytogenetic location: 16p13.3.
Variant type: single nucleotide variant.
Coding change: c.11612T>C on transcript NM_001009944.3 (MANE Select); coding-DNA position 11612, T replaced by C.
Protein change: p.Leu3871Pro; replaces leucine 3871 with proline.
Molecular consequence: missense variant. On other transcripts: non-coding transcript variant (1).
Genome position (GRCh38, 1-based): chr16:2,091,523, A>G on the plus strand (T>C on the coding strand, the complement: PKD1 is on the minus strand). VCF-style: chr16-2091523-A-G. GRCh37 (hg19) VCF-style: chr16-2141524-A-G.
Other names: c.11609T>C, p.Leu3870Pro (NM_000296.4); short protein forms L3870P, L3871P.
Identifiers: ClinVar variation 4531537 (VCV004531537.1).
Genomic context (GRCh38, chr16:2,091,523, plus strand): 5'-CGCAGCGCAAAGGGGCGGACGCTGAGGGCGGCCAGGGCGCGGCCGGCCGCCGGGAACTCG[A>G]GGCGCAGCGTGACGGCGGCGTGCAGCCCCACGGCCGGGCTGTAGCGCGTGAGCTCCAGGA-3'
Protein context (NP_001009944.3, residues 3861-3881): VGLHAAVTLR[Leu3871Pro]EFPAAGRALA